The following continues an entry in ClinVar:

NM_001927.4(DES):c.638C>T (p.Ala213Val)

Gene: DES. ClinVar aggregate classification (germline): Conflicting classifications of pathogenicity. Uncertain significance (1); Benign (13); Likely benign (6).

Submissions 19 to 28 of 28:

Laboratory for Molecular Medicine, Mass General Brigham Personalized Medicine
Classification: Benign. Last evaluated: 2012-01-10. Review status: criteria provided, single submitter. Criteria: LMM Criteria. Collection method: clinical testing. Allele origin: germline. Observed: 64 variant alleles.
Comment: Ala213Val in exon 2 of DES: This variant has been reported by several studies an d was initially thought to be disease causing (Goldfarb 2004, Bar 2004, Kostarev a 2006). However, it has been identified in 0.4% (8/2000) of chromosomes from a broad, though clinically and racially unspecified population (dbSNP rs41272699) and in 1.5% (102/7020) of European American chromosomes and 0.4% (14/3738) of Af rican American chromosomes by the NHBLI Exome sequencing project in a clinical c ohort that included individuals with heart disease (/EVS). With a frequency this high the variant is considered to be benign.

PreventionGenetics, part of Exact Sciences
Classification: Benign. Review status: criteria provided, single submitter. Criteria: ACMG Guidelines, 2015. Collection method: clinical testing. Allele origin: germline.

Mitochondrial Research Group, Newcastle University
Classification: Pathogenic for Myofibrillar myopathy. Last evaluated: 2016-08-16. Review status: no assertion criteria provided. Collection method: clinical testing. Allele origin: unknown. Affected: yes. Observed: 2 variant alleles. Not counted in ClinVar's aggregate classification.

Clinical Genetics DNA and cytogenetics Diagnostics Lab, Erasmus MC, Erasmus Medical Center
Classification: Benign. Review status: no assertion criteria provided. Collection method: clinical testing. Allele origin: germline. Affected: yes. Study: VKGL Data-share Consensus. Not counted in ClinVar's aggregate classification.

Clinical Genetics, Academic Medical Center
Classification: Benign. Review status: no assertion criteria provided. Collection method: clinical testing. Allele origin: germline. Affected: yes. Study: VKGL Data-share Consensus. Not counted in ClinVar's aggregate classification.

Diagnostic Laboratory, Department of Genetics, University Medical Center Groningen
Classification: Likely benign. Review status: no assertion criteria provided. Collection method: clinical testing. Allele origin: germline. Affected: yes. Study: VKGL Data-share Consensus. Not counted in ClinVar's aggregate classification.

Epithelial Biology;  Institute of Medical Biology, Singapore
No classification provided. Review status: no classification provided. Collection method: not provided. Allele origin: not provided. Not counted in ClinVar's aggregate classification.

Genome Diagnostics Laboratory, University Medical Center Utrecht
Classification: Likely benign. Review status: no assertion criteria provided. Collection method: clinical testing. Allele origin: germline. Affected: yes. Study: VKGL Data-share Consensus. Not counted in ClinVar's aggregate classification.

Joint Genome Diagnostic Labs from Nijmegen and Maastricht, Radboudumc and MUMC+
Classification: Benign. Review status: no assertion criteria provided. Collection method: clinical testing. Allele origin: germline. Affected: yes. Study: VKGL Data-share Consensus. Not counted in ClinVar's aggregate classification.

Laboratory of Diagnostic Genome Analysis, Leiden University Medical Center (LUMC)
Classification: Likely benign. Review status: no assertion criteria provided. Collection method: clinical testing. Allele origin: germline. Affected: yes. Study: VKGL Data-share Consensus. Not counted in ClinVar's aggregate classification.

Literature cited by the submitters: PubMed 17325244 (cited by 4 submitters); PubMed 14724127 (cited by Women's Health and Genetics/Laboratory Corporation of America, LabCorp and Laboratory for Molecular Medicine, Mass General Brigham Personalized Medicine); PubMed 16828798 (cited by Women's Health and Genetics/Laboratory Corporation of America, LabCorp); PubMed 21842594 (cited by 3 submitters); PubMed 16217025 (cited by 3 submitters); PubMed 16865695 (cited by 4 submitters); PubMed 20474083 (cited by Women's Health and Genetics/Laboratory Corporation of America, LabCorp and Athena Diagnostics); PubMed 16519886 (cited by Women's Health and Genetics/Laboratory Corporation of America, LabCorp and Athena Diagnostics); PubMed 23168288 (cited by Women's Health and Genetics/Laboratory Corporation of America, LabCorp and Athena Diagnostics); PubMed 22215463 (cited by Women's Health and Genetics/Laboratory Corporation of America, LabCorp and Athena Diagnostics); PubMed 25214167 (cited by Athena Diagnostics); PubMed 17626518 (cited by Illumina Laboratory Services, Illumina and Laboratory for Molecular Medicine, Mass General Brigham Personalized Medicine); PubMed 23143191 (cited by Illumina Laboratory Services, Illumina); PubMed 15477095 (cited by Laboratory for Molecular Medicine, Mass General Brigham Personalized Medicine); DOI 10.1016/j.nmd.2016.08.004 (cited by Mitochondrial Research Group, Newcastle University).